The following is an entry in ClinVar:

ClinVar aggregate classification (germline): Benign/Likely benign. Review status: criteria provided, multiple submitters, no conflicts (2 of 4 stars). 3 submissions from 3 submitters: Benign (1); Likely benign (2). Last evaluated 2024-08-19.

Allele frequency attached by ClinVar (database versions not stated): TOPMed 0.00003; gnomAD 0.00004 and 0.00005; gnomAD exomes 0.00004 and 0.00008; ESP Exome Variant Server 0.00009; ExAC 0.00016.
gnomAD v4.1: 48 of 1,131,245 alleles (0.0042%); highest among the groups gnomAD compares: South Asian, 0.042%; no homozygotes.

Submissions (3):

Blueprint Genetics
Classification: Benign. Last evaluated: 2024-08-19. Review status: criteria provided, single submitter. Criteria: ACMG Guidelines, 2015. Collection method: clinical testing. Allele origin: germline.

CeGaT Center for Human Genetics Tuebingen
Classification: Likely benign. Last evaluated: 2023-04-01. Review status: criteria provided, single submitter. Criteria: CeGaT Center For Human Genetics Tuebingen Variant Classification Criteria Version 2. Collection method: clinical testing. Allele origin: germline. Affected: yes. Observed: 1 variant allele.
Comment: GPR143: BP4, BS2

Labcorp Genetics (formerly Invitae), Labcorp
Classification: Likely benign. Last evaluated: 2022-10-26. Review status: criteria provided, single submitter. Criteria: Invitae Variant Classification Sherloc (09022015). Collection method: clinical testing. Allele origin: germline.

NM_000273.3(GPR143):c.361-8G>A

Gene: GPR143 (G protein-coupled receptor 143; minus strand). Cytogenetic location: Xp22.2.
Variant type: single nucleotide variant.
Coding change: c.361-8G>A on transcript NM_000273.3 (MANE Select); 8 bases into the intron before coding-DNA position 361, G replaced by A.
Molecular consequence: intron variant.
Genome position (GRCh38, 1-based): chrX:9,759,434, C>T on the plus strand (G>A on the coding strand, the complement: GPR143 is on the minus strand). VCF-style: chrX-9759434-C-T. GRCh37 (hg19) VCF-style: chrX-9727474-C-T.
Identifiers: ClinVar variation 1623825 (VCV001623825.33), dbSNP rs373296925, ClinGen allele CA10345041.
Genomic context (GRCh38, chrX:9,759,434, plus strand): 5'-GCATAGCAAAACAGCCACCAGAAGCAGGCACTGTACAACAGCTGGATCCACATCTGCAAT[C>T]GGGAAGAGCCTGCATCAAAATGTCTGGAAACAGGTACAAGAAGCCCAGCCCATCCTTGAG-3'